The following is an entry in ClinVar:

NM_001015880.2(PAPSS2):c.1662_1666del (p.Phe555fs)

Gene: PAPSS2 (3'-phosphoadenosine 5'-phosphosulfate synthase 2; plus strand). Cytogenetic location: 10q23.31.
Variant type: Microsatellite.
Coding change: c.1662_1666del on transcript NM_001015880.2 (MANE Select); coding-DNA positions 1662 to 1666, 5 bases deleted (ATTCC; older notation c.1662_1666delATTCC).
Protein change: p.Phe555fs; shifts the reading frame from phenylalanine 555.
Molecular consequence: frameshift variant.
Genome position (GRCh38, 1-based): chr10:87,745,172-87,745,176, ATTCC deleted; deleting any 5 consecutive bases within chr10:87,745,166-87,745,176 gives the same sequence; the c. name uses the placement nearest the transcript's 3' end. VCF-style (leftmost placement, unchanged base first): chr10-87745165-TCATTC-T. GRCh37 (hg19) VCF-style: chr10-89504922-TCATTC-T.
Other names: c.1647_1651del, p.Phe550fs (NM_004670.4); short protein forms F550fs, F555fs.
Identifiers: ClinVar variation 208601 (VCV000208601.4), dbSNP rs797045099, ClinGen allele CA204574.
Genomic context (GRCh38, chr10:87,745,165, plus strand): 5'-ATGAACCCACTCATGGGGGCAAGGTCTTGAGCATGGCCCCTGGCCTCACCTCTGTGGAAA[TCATTC>T]CATTCCGAGTGGCTGCCTACAACAAAGCCAAAAAAGCCATGGACTTCTATGATCCAGCAA-3'

ClinVar aggregate classification (germline): Likely pathogenic (1 of 4 stars; one submission).

Conditions:
Spondyloepimetaphyseal dysplasia, PAPSS2 type. Also called: SEMD, PAKISTANI TYPE; BRACHYOLMIA TYPE 4 WITH MILD EPIPHYSEAL AND METAPHYSEAL CHANGES; SPONDYLODYSPLASIA AND PREMATURE PUBARCHE. Identifiers: Orphanet 93282, MedGen C2748516, MONDO:0019666, OMIM 612847.

Submission:

Laboratory for Molecular Medicine, Mass General Brigham Personalized Medicine
Classification: Likely pathogenic for Spondyloepimetaphyseal dysplasia, pakistani type. Last evaluated: 2015-02-04. Review status: criteria provided, single submitter. Criteria: LMM Criteria. Collection method: clinical testing. Allele origin: germline. Inheritance: Autosomal recessive inheritance. Observed: 1 variant allele. Study: CSER-MedSeq.
Comment: The p.Phe555serfsX15 variant in PAPSS2 has not been previously reported in individuals with brachyolmia and was absent in large population studies. This variant is predicted to cause a frameshift, which alters the protein’s amino acid sequence beginning at position 555 and leads to a premature termination codon 15 amino acids downstream. This alteration is then predicted to lead to a truncated or absent protein. Complete loss of PAPSS2 function has been identified in many individuals with brachyolmia (Faiyaz ul Haque 1998, Noordam 2009, Miyake 2012, Tuysuz 2013, Iida 2013), though all previously reported loss-of-function variants reside upstream of this variant. In summary, although additional studies are required to fully establish its clinical significance, the p.Phe555SerfsX15 variant is likely pathogenic.

Literature cited by the submitters: PubMed 9771708; PubMed 23824674; PubMed 22791835; PubMed 19474428; PubMed 23633440.